The following is an entry in ClinVar:

ClinVar aggregate classification (germline): Uncertain significance (1 of 4 stars; one submission).

gnomAD v4.1: 2 of 1,614,150 alleles (0.00012%); highest among the groups gnomAD compares: Non-Finnish European, 0.00017%; no homozygotes.

Submission:

GeneDx
Classification: Uncertain significance. Last evaluated: 2023-12-09. Review status: criteria provided, single submitter. Criteria: GeneDx Variant Classification Process June 2021. Collection method: clinical testing. Allele origin: germline. Affected: yes.
Comment: Not observed at significant frequency in large population cohorts (gnomAD); In silico analysis supports that this missense variant does not alter protein structure/function; Has not been previously published as pathogenic or benign to our knowledge

NM_001378120.1(MBD5):c.4731C>G (p.Ser1577Arg)

Gene: MBD5 (methyl-CpG binding domain protein 5; plus strand). Cytogenetic location: 2q23.1.
Variant type: single nucleotide variant.
Coding change: c.4731C>G on transcript NM_001378120.1 (MANE Select); coding-DNA position 4731, C replaced by G.
Protein change: p.Ser1577Arg; replaces serine 1577 with arginine.
Molecular consequence: missense variant.
Genome position (GRCh38, 1-based): chr2:148,490,363, C>G. VCF-style: chr2-148490363-C-G. GRCh37 (hg19) VCF-style: chr2-149247932-C-G.
Other names: c.4032C>G, p.Ser1344Arg (NM_018328.5); short protein forms S1344R, S1577R.
Identifiers: ClinVar variation 3365483 (VCV003365483.1).